The following is an entry in ClinVar:

ClinVar aggregate classification (germline): Benign. Review status: criteria provided, multiple submitters, no conflicts (2 of 4 stars). 2 submissions from 2 submitters: Benign (2). Last evaluated 2018-06-14.

Allele frequency attached by ClinVar (database versions not stated): gnomAD 0.04182 and 0.04187; 1000 Genomes Project 30x 0.04279; 1000 Genomes Project 0.04313; TOPMed 0.04337.
gnomAD v4.1: 42,505 of 1,253,158 alleles (3.4%); highest among the groups gnomAD compares: African/African-American, 5.6%; 913 homozygotes.

Submissions (2):

GeneDx
Classification: Benign. Last evaluated: 2018-06-14. Review status: criteria provided, single submitter. Criteria: GeneDx Variant Classification (06012015). Collection method: clinical testing. Allele origin: germline. Affected: yes.
Comment: This variant is considered likely benign or benign based on one or more of the following criteria: it is a conservative change, it occurs at a poorly conserved position in the protein, it is predicted to be benign by multiple in silico algorithms, and/or has population frequency not consistent with disease.

Breakthrough Genomics
Classification: Benign. Review status: criteria provided, single submitter. Criteria: ACMG Guidelines, 2015. Collection method: not provided. Allele origin: germline. Inheritance: Autosomal recessive inheritance. Affected: yes.

NM_014844.5(TECPR2):c.3075+110A>G

Gene: TECPR2 (tectonin beta-propeller repeat containing 2; plus strand). Cytogenetic location: 14q32.31.
Variant type: single nucleotide variant.
Coding change: c.3075+110A>G on transcript NM_014844.5 (MANE Select); 110 bases into the intron after coding-DNA position 3075, A replaced by G.
Molecular consequence: intron variant.
Genome position (GRCh38, 1-based): chr14:102,446,057, A>G. VCF-style: chr14-102446057-A-G. GRCh37 (hg19) VCF-style: chr14-102912394-A-G.
Other names: c.3075+110A>G (NM_001172631.3).
Identifiers: ClinVar variation 672800 (VCV000672800.2), dbSNP rs115378843, ClinGen allele CA267068643.